The following is an entry in ClinVar:

NM_000321.3(RB1):c.719A>G (p.Lys240Arg)

Gene: RB1 (RB transcriptional corepressor 1; plus strand). Cytogenetic location: 13q14.2.
Variant type: single nucleotide variant.
Coding change: c.719A>G on transcript NM_000321.3 (MANE Select); coding-DNA position 719, A replaced by G.
Protein change: p.Lys240Arg; replaces lysine 240 with arginine.
Molecular consequence: missense variant.
Genome position (GRCh38, 1-based): chr13:48,362,815, A>G. VCF-style: chr13-48362815-A-G. GRCh37 (hg19) VCF-style: chr13-48936951-A-G.
Other names: c.719A>G, p.Lys240Arg (NM_001407165.1, NM_001407166.1); short protein forms K240R.
Identifiers: ClinVar variation 3387560 (VCV003387560.1).

ClinVar aggregate classification (germline): Uncertain significance (1 of 4 stars; one submission).

Conditions:
Retinoblastoma (RB1). Also called: RETINOBLASTOMA, SOMATIC. Identifiers: Orphanet 790, MedGen C0035335, MeSH D012175, MONDO:0008380, OMIM 180200, HP:0009919. Disease mechanism: loss of function. Inheritance: Both sporadic and heritable forms are tested..

Submission:

All of Us Research Program, National Institutes of Health
Classification: Uncertain significance for Retinoblastoma. Last evaluated: 2024-05-14. Review status: criteria provided, single submitter. Criteria: ACMG Guidelines, 2015. Collection method: clinical testing. Allele origin: germline. Inheritance: Autosomal dominant inheritance. Observed: 1 variant allele, 1 heterozygote.
Comment: This missense variant replaces lysine with arginine at codon 240 of the RB1 protein. Computational prediction suggests that this variant may not impact protein structure and function (internally defined REVEL score threshold <= 0.5, PMID: 27666373). To our knowledge, functional studies have not been reported for this variant. This variant has not been reported in individuals affected with RB1-related disorders in the literature. This variant has not been identified in the general population by the Genome Aggregation Database (gnomAD). The available evidence is insufficient to determine the role of this variant in disease conclusively. Therefore, this variant is classified as a Variant of Uncertain Significance.

This study involves interpretation of variants in research participants for the purpose of population health screening. Participant phenotype was not available at the time of variant classification. Additional details can be found in publication PMID: 35346344, PMCID: PMC8962531